The following is an entry in ClinVar:

NM_002734.5(PRKAR1A):c.1092C>T (p.Asp364=)

Gene: PRKAR1A (protein kinase cAMP-dependent type I regulatory subunit alpha; plus strand). Cytogenetic location: 17q24.2.
Variant type: single nucleotide variant.
Coding change: c.1092C>T on transcript NM_002734.5 (MANE Select); coding-DNA position 1092, C replaced by T.
Protein change: p.Asp364=; no amino-acid change (aspartic acid 364 retained).
Molecular consequence: synonymous variant. On other transcripts: intron variant (1).
Genome position (GRCh38, 1-based): chr17:68,530,395, C>T. VCF-style: chr17-68530395-C-T. GRCh37 (hg19) VCF-style: chr17-66526536-C-T.
Other names: c.1092C>T, p.Asp364= (NM_001276289.2, NM_001278433.2, NM_001369389.1 and 3 more transcripts); c.973+394C>T (NM_001276290.1).
Identifiers: ClinVar variation 1789615 (VCV001789615.10), dbSNP rs1600496455, ClinGen allele CA501528366.
Genomic context (GRCh38, chr17:68,530,395, plus strand): 5'-CTTGAAGTGCGTTAAGCTGGACCGACCTAGATTTGAACGTGTTCTTGGCCCATGCTCAGA[C>T]ATCCTCAAACGAAACATCCAGCAGTACAACAGTTTTGTGTCACTGTCTGTCTGAAATCTG-3'
Protein context (NP_002725.1, residues 354-374): RFERVLGPCS[Asp364=]ILKRNIQQYN

ClinVar aggregate classification (germline): Likely benign. Review status: criteria provided, multiple submitters, no conflicts (2 of 4 stars). 2 submissions from 2 submitters: Likely benign (2). Last evaluated 2025-08-01.

Conditions:
Hereditary cancer-predisposing syndrome. Also called: Hereditary neoplastic syndrome; Neoplastic Syndromes, Hereditary; Tumor predisposition; Hereditary Cancer Syndrome. Identifiers: Orphanet 140162, MedGen C0027672, MeSH D009386, MONDO:0015356.

Submissions (2):

CeGaT Center for Human Genetics Tuebingen
Classification: Likely benign. Last evaluated: 2025-08-01. Review status: criteria provided, single submitter. Criteria: CeGaT Center For Human Genetics Tuebingen Variant Classification Criteria Version 2. Collection method: clinical testing. Allele origin: germline. Affected: yes. Observed: 1 variant allele.
Comment: PRKAR1A: PM2:Supporting, BP4, BP7

Ambry Genetics
Classification: Likely benign for Hereditary cancer-predisposing syndrome. Last evaluated: 2019-07-26. Review status: criteria provided, single submitter. Criteria: Ambry Variant Classification Scheme 2023. Collection method: clinical testing. Allele origin: germline.